The following is an entry in ClinVar:

NM_004560.4(ROR2):c.897C>G (p.Asn299Lys)

Gene: ROR2 (receptor tyrosine kinase like orphan receptor 2; minus strand). Cytogenetic location: 9q22.31.
Variant type: single nucleotide variant.
Coding change: c.897C>G on transcript NM_004560.4 (MANE Select); coding-DNA position 897, C replaced by G.
Protein change: p.Asn299Lys; replaces asparagine 299 with lysine.
Molecular consequence: missense variant.
Genome position (GRCh38, 1-based): chr9:91,733,162, G>C on the plus strand (C>G on the coding strand, the complement: ROR2 is on the minus strand). VCF-style: chr9-91733162-G-C. GRCh37 (hg19) VCF-style: chr9-94495444-G-C.
Other names: c.897C>G, p.Asn299Lys (NM_001318204.2); short protein forms N299K.
Identifiers: ClinVar variation 4740638 (VCV004740638.1).

ClinVar aggregate classification (germline): Uncertain significance (1 of 4 stars; one submission).

Submission:

Labcorp Genetics (formerly Invitae), Labcorp
Classification: Uncertain significance. Last evaluated: 2025-09-22. Review status: criteria provided, single submitter. Criteria: Invitae Variant Classification Sherloc (09022015). Collection method: clinical testing. Allele origin: germline.
Comment: This sequence change replaces asparagine, which is neutral and polar, with lysine, which is basic and polar, at codon 299 of the ROR2 protein (p.Asn299Lys). This variant is not present in population databases (gnomAD no frequency). This variant has not been reported in the literature in individuals affected with ROR2-related conditions. Invitae Evidence Modeling of protein sequence and biophysical properties (such as structural, functional, and spatial information, amino acid conservation, physicochemical variation, residue mobility, and thermodynamic stability) indicates that this missense variant is not expected to disrupt ROR2 protein function with a negative predictive value of 80%. In summary, the available evidence is currently insufficient to determine the role of this variant in disease. Therefore, it has been classified as a Variant of Uncertain Significance.